The following is an entry in ClinVar:

NM_020810.3(TRMT5):c.1421A>C (p.Tyr474Ser)

Gene: TRMT5 (tRNA methyltransferase 5; minus strand). Cytogenetic location: 14q23.1.
Variant type: single nucleotide variant.
Coding change: c.1421A>C on transcript NM_020810.3 (MANE Select); coding-DNA position 1421, A replaced by C.
Protein change: p.Tyr474Ser; replaces tyrosine 474 with serine.
Molecular consequence: missense variant.
Genome position (GRCh38, 1-based): chr14:60,975,498, T>G on the plus strand (A>C on the coding strand, the complement: TRMT5 is on the minus strand). VCF-style: chr14-60975498-T-G. GRCh37 (hg19) VCF-style: chr14-61442216-T-G.
Other names: c.1505A>C, p.Tyr502Ser (NM_001350253.1); c.1502A>C, p.Tyr501Ser (NM_001350254.1); short protein forms Y502S, Y474S, Y501S.
Identifiers: ClinVar variation 2056375 (VCV002056375.4), dbSNP rs1043104410, ClinGen allele CA389918712.

ClinVar aggregate classification (germline): Uncertain significance (1 of 4 stars; one submission).

Submission:

Labcorp Genetics (formerly Invitae), Labcorp
Classification: Uncertain significance. Last evaluated: 2022-08-19. Review status: criteria provided, single submitter. Criteria: Invitae Variant Classification Sherloc (09022015). Collection method: clinical testing. Allele origin: germline.
Comment: Algorithms developed to predict the effect of missense changes on protein structure and function (SIFT, PolyPhen-2, Align-GVGD) all suggest that this variant is likely to be tolerated. In summary, the available evidence is currently insufficient to determine the role of this variant in disease. Therefore, it has been classified as a Variant of Uncertain Significance. This variant has not been reported in the literature in individuals affected with TRMT5-related conditions. This variant is not present in population databases (gnomAD no frequency). This sequence change replaces tyrosine, which is neutral and polar, with serine, which is neutral and polar, at codon 474 of the TRMT5 protein (p.Tyr474Ser).